The following is an entry in ClinVar:

NM_001433705.1(NLRP5):c.290-4C>G

Gene: NLRP5 (NLR family pyrin domain containing 5; plus strand). Cytogenetic location: 19q13.43.
Variant type: single nucleotide variant.
Coding change: c.290-4C>G on transcript NM_001433705.1 (MANE Select); 4 bases into the intron before coding-DNA position 290, C replaced by G.
Molecular consequence: intron variant.
Genome position (GRCh38, 1-based): chr19:56,008,784, C>G. VCF-style: chr19-56008784-C-G. GRCh37 (hg19) VCF-style: chr19-56520150-C-G.
Other names: NM_153447.4:c.443-4C>G.
Identifiers: ClinVar variation 3059791 (VCV003059791.2), dbSNP rs12460592, ClinGen allele CA9685223.

ClinVar aggregate classification (germline): Benign (0 of 4 stars; one submission).

Conditions:
NLRP5-related disorder. Also called: NLRP5-related condition.

Allele frequency attached by ClinVar (database versions not stated): 1000 Genomes Project 30x 0.26827; ESP Exome Variant Server 0.33366; gnomAD exomes 0.36219; ExAC 0.38575; 1000 Genomes Project 0.26897; gnomAD 0.32881; TOPMed 0.32512.
gnomAD v4.1: 574,102 of 1,603,598 alleles (36%); highest among the groups gnomAD compares: Admixed American, 38%; 104,765 homozygotes.

Submission:

PreventionGenetics, part of Exact Sciences
Classification: Benign for NLRP5-related condition. Last evaluated: 2019-10-21. Review status: no assertion criteria provided. Collection method: clinical testing. Allele origin: germline.
Comment: This variant is classified as benign based on ACMG/AMP sequence variant interpretation guidelines (Richards et al. 2015 PMID: 25741868, with internal and published modifications).